The following is an entry in ClinVar:

NM_000245.4(MET):c.1412G>A (p.Gly471Glu)

Gene: MET (MET proto-oncogene, receptor tyrosine kinase; plus strand). Cytogenetic location: 7q31.2.
Variant type: single nucleotide variant.
Coding change: c.1412G>A on transcript NM_000245.4 (MANE Select); coding-DNA position 1412, G replaced by A.
Protein change: p.Gly471Glu; replaces glycine 471 with glutamic acid.
Molecular consequence: missense variant.
Genome position (GRCh38, 1-based): chr7:116,739,969, G>A. VCF-style: chr7-116739969-G-A. GRCh37 (hg19) VCF-style: chr7-116380023-G-A.
Other names: c.1412G>A (NM_001127500.2); c.1412G>A, p.Gly471Glu (NM_001127500.3, NM_001324401.3); c.122G>A, p.Gly41Glu (NM_001324402.2); short protein forms G471E, G41E.
Identifiers: ClinVar variation 135960 (VCV000135960.38), dbSNP rs373312981, ClinGen allele CA189064.

ClinVar aggregate classification (germline): Conflicting classifications of pathogenicity. Review status: criteria provided, conflicting classifications (1 of 4 stars). 11 submissions from 11 submitters: Uncertain significance (8); Likely benign (3). Last evaluated 2026-10-01.

Conditions:
MET-related disorder. Also called: MET-related condition.
Renal cell carcinoma. Identifiers: Orphanet 217071, MedGen C0007134, MeSH D002292, MONDO:0005086, HP:0005584.
Hereditary cancer-predisposing syndrome. Also called: Tumor predisposition; Neoplastic Syndromes, Hereditary; Hereditary neoplastic syndrome; Hereditary Cancer Syndrome. Identifiers: Orphanet 140162, MedGen C0027672, MeSH D009386, MONDO:0015356.
Papillary renal cell carcinoma type 1 (RCCP1). Also called: Renal adenocarcinoma; Renal cell carcinoma 1; Renal cell carcinoma, somatic; RENAL CELL CARCINOMA, PAPILLARY, 1, SOMATIC. Identifiers: Orphanet 47044, MedGen C1336839, OMIM 605074, HP:0011797.

Allele frequency attached by ClinVar (database versions not stated): TOPMed 0.00008; gnomAD 0.00015 and 0.00016; ESP Exome Variant Server 0.00017.
gnomAD v4.1: 279 of 1,613,932 alleles (0.017%); highest among the groups gnomAD compares: Non-Finnish European, 0.022%; 1 homozygote.

Submissions (11):

St. Jude Molecular Pathology, St. Jude Children's Research Hospital
Classification: Uncertain significance for Papillary renal cell carcinoma type 1. Last evaluated: 2026-10-01. Review status: criteria provided, single submitter. Criteria: St. Jude Assertion Criteria 2020. Collection method: clinical testing. Allele origin: germline.
Comment: The MET c.1412G>A p.(Gly471Glu) missense change has a maximum subpopulation frequency of 0.021% in gnomAD v2.1.1. The in silico tool REVEL predicts a benign effect on protein function, but to our knowledge this pre diction has not been confirmed by functional studies. To our knowledge, this variant has not been reported in individuals with hereditary papillary renal cell carcinoma. In summary, the evidence currently available is insufficient to determine the clinic al significance of this variant. It has therefore been classified as of uncertain significance.

Labcorp Genetics (formerly Invitae), Labcorp
Classification: Uncertain significance for Renal cell carcinoma. Last evaluated: 2026-02-04. Review status: criteria provided, single submitter. Criteria: Invitae Variant Classification Sherloc (09022015). Collection method: clinical testing. Allele origin: germline.
Comment: This sequence change replaces glycine, which is neutral and non-polar, with glutamic acid, which is acidic and polar, at codon 471 of the MET protein (p.Gly471Glu). This variant is present in population databases (rs373312981, gnomAD 0.02%). This variant has not been reported in the literature in individuals affected with MET-related conditions. ClinVar contains an entry for this variant (Variation ID: 135960). An algorithm developed to predict the effect of missense changes on protein structure and function (PolyPhen-2) suggests that this variant is likely to be tolerated. In summary, the available evidence is currently insufficient to determine the role of this variant in disease. Therefore, it has been classified as a Variant of Uncertain Significance.

PreventionGenetics, part of Exact Sciences
Classification: Uncertain significance for MET-related condition. Last evaluated: 2025-11-21. Review status: criteria provided, single submitter. Criteria: ACMG Guidelines, 2015. Collection method: clinical testing. Allele origin: germline.
Comment: The MET c.1412G>A variant is predicted to result in the amino acid substitution p.Gly471Glu. This variant was identified in an individual with melanoma (Dudley et al. 2018. PubMed ID: 29360161). This variant is reported in 0.021% of alleles in individuals of European (Non-Finnish) descent in gnomAD and has conflicting classifications in ClinVar ranging from likely benign to uncertain (Variation ID: 135960). Although we suspect that this variant may be benign, at this time, the clinical significance of this variant is uncertain due to the absence of conclusive functional and genetic evidence.

Quest Diagnostics Nichols Institute San Juan Capistrano
Classification: Uncertain significance. Last evaluated: 2025-06-30. Review status: criteria provided, single submitter. Criteria: Quest Diagnostics criteria. Collection method: clinical testing. Allele origin: unknown.

Center for Genomic Medicine, Rigshospitalet, Copenhagen University Hospital
Classification: Uncertain significance. Last evaluated: 2025-03-04. Review status: criteria provided, single submitter. Criteria: ACMG Guidelines, 2015. Collection method: clinical testing. Allele origin: germline.

Myriad Genetics, Inc.
Classification: Likely benign for Papillary renal cell carcinoma type 1. Last evaluated: 2024-11-07. Review status: criteria provided, single submitter. Criteria: Myriad Autosomal Dominant, Autosomal Recessive and X-Linked Classification Criteria (2023). Collection method: clinical testing. Allele origin: unknown.
Comment: This variant is considered likely benign. This variant has been observed at a population frequency that is significantly greater than expected given the associated disease prevalence and penetrance.

GeneDx
Classification: Uncertain significance. Last evaluated: 2024-07-02. Review status: criteria provided, single submitter. Criteria: GeneDx Variant Classification Process June 2021. Collection method: clinical testing. Allele origin: germline. Affected: yes.
Comment: In silico analysis indicates that this missense variant does not alter protein structure/function; This variant is associated with the following publications: (PMID: 29360161)

Blueprint Genetics
Classification: Uncertain significance. Last evaluated: 2024-04-29. Review status: criteria provided, single submitter. Criteria: ACMG Guidelines, 2015. Collection method: clinical testing. Allele origin: germline.

Sema4
Classification: Uncertain significance for Hereditary cancer-predisposing syndrome. Last evaluated: 2021-11-30. Review status: criteria provided, single submitter. Criteria: Sema4 Curation Guidelines. Collection method: curation. Allele origin: germline.
Comment: The MET c.1412G>A (p.G471E) variant has been reported in heterozygosity in at least one individuals with pancreatic cancer and melanoma (PMID: 29360161). It was observed in 27/128694 chromosomes of the Non-Finnish European subpopulation, with no homozygotes, in the Genome Aggregation Database (PMID: 32461654). The variant has been reported in ClinVar (Variation ID 135960). In silico tools suggest the impact of the variant on protein function is benign, though these predictions have not been confirmed by functional studies. The evidence is insufficient to meet ACMG/AMP criteria for classifying the variant as benign or pathogenic. Thus, the clinical significance of this variant is currently uncertain.

Ambry Genetics
Classification: Likely benign for Hereditary cancer-predisposing syndrome. Last evaluated: 2020-09-04. Review status: criteria provided, single submitter. Criteria: Ambry Variant Classification Scheme 2023. Collection method: clinical testing. Allele origin: germline.

Illumina Laboratory Services, Illumina
Classification: Likely benign for Papillary renal cell carcinoma type 1. Last evaluated: 2018-01-13. Review status: criteria provided, single submitter. Criteria: ICSL Variant Classification Criteria 13 December 2019. Collection method: clinical testing. Allele origin: germline.
Comment: This variant was observed in the ICSL laboratory as part of a predisposition screen in an ostensibly healthy population. It had not been previously curated by ICSL or reported in the Human Gene Mutation Database (HGMD: prior to June 1st, 2018), and was therefore a candidate for classification through an automated scoring system. Utilizing variant allele frequency, disease prevalence and penetrance estimates, and inheritance mode, an automated score was calculated to assess if this variant is too frequent to cause the disease. Based on the score and internal cut-off values, a variant classified as likely benign is not then subjected to further curation. The score for this variant resulted in a classification of likely benign for this disease.

Literature cited by the submitters: PubMed 29360161 (cited by Sema4).